The following is an entry in ClinVar:

NM_176787.5(PIGN):c.2424C>T (p.Asn808=)

Gene: PIGN (phosphatidylinositol glycan anchor biosynthesis class N; minus strand). Cytogenetic location: 18q21.33.
Variant type: single nucleotide variant.
Coding change: c.2424C>T on transcript NM_176787.5 (MANE Select); coding-DNA position 2424, C replaced by T.
Protein change: p.Asn808=; no amino-acid change (asparagine 808 retained).
Molecular consequence: synonymous variant.
Genome position (GRCh38, 1-based): chr18:62,085,211, G>A on the plus strand (C>T on the coding strand, the complement: PIGN is on the minus strand). VCF-style: chr18-62085211-G-A. GRCh37 (hg19) VCF-style: chr18-59752444-G-A.
Other names: c.2424C>T, p.Asn808= (NM_001438896.1, NM_001438904.1, NM_001438905.1 and 1 more transcripts); c.2022C>T, p.Asn674= (NM_001438910.1).
Identifiers: ClinVar variation 4701681 (VCV004701681.1).

ClinVar aggregate classification (germline): Uncertain significance (1 of 4 stars; one submission).

Conditions:
Multiple congenital anomalies-hypotonia-seizures syndrome 1 (MCAHS1). Also called: PIGN-CDG; Congenital disorder of glycosylation due to PIGN deficiency; GLYCOSYLPHOSPHATIDYLINOSITOL BIOSYNTHESIS DEFECT 3. Identifiers: Orphanet 280633, MedGen C3279775, MONDO:0013563, OMIM 614080.

gnomAD v4.1: 1 of 1,510,794 alleles (0.000066%); highest among the groups gnomAD compares: Non-Finnish European, 0.00009%; no homozygotes.

Submission:

Labcorp Genetics (formerly Invitae), Labcorp
Classification: Uncertain significance for Multiple congenital anomalies-hypotonia-seizures syndrome 1. Last evaluated: 2026-01-08. Review status: criteria provided, single submitter. Criteria: Invitae Variant Classification Sherloc (09022015). Collection method: clinical testing. Allele origin: germline.
Comment: This sequence change affects codon 808 of the PIGN mRNA. It is a 'silent' change, meaning that it does not change the encoded amino acid sequence of the PIGN protein. This variant is not present in population databases (gnomAD no frequency). This variant has not been reported in the literature in individuals affected with PIGN-related conditions. Algorithms developed to predict the effect of sequence changes on RNA splicing suggest that this variant may disrupt the consensus splice site. In summary, the available evidence is currently insufficient to determine the role of this variant in disease. Therefore, it has been classified as a Variant of Uncertain Significance.